The following is an entry in ClinVar:

NM_144670.6(A2ML1):c.1775G>T (p.Arg592Leu)

Gene: A2ML1 (alpha-2-macroglobulin like 1; plus strand). Cytogenetic location: 12p13.31.
Variant type: single nucleotide variant.
Coding change: c.1775G>T on transcript NM_144670.6 (MANE Select); coding-DNA position 1775, G replaced by T.
Protein change: p.Arg592Leu; replaces arginine 592 with leucine.
Molecular consequence: missense variant.
Genome position (GRCh38, 1-based): chr12:8,847,640, G>T. VCF-style: chr12-8847640-G-T. GRCh37 (hg19) VCF-style: chr12-9000236-G-T.
Other names: A2ML1, ARG592LEU (rs200673370); c.302G>T, p.Arg101Leu (NM_001282424.3); short protein forms R592L, R101L.
Identifiers: ClinVar variation 203521 (VCV000203521.16), dbSNP rs200673370, ClinGen allele CA354437.

ClinVar aggregate classification (germline): Conflicting classifications of pathogenicity. Review status: criteria provided, conflicting classifications (1 of 4 stars). 5 submissions from 5 submitters: Uncertain significance (3); Likely benign (1). 1 of the submissions does not count toward it. Last evaluated 2026-09-10.

Conditions:
A2ML1-related disorder. Also called: A2ML1-related condition.

Allele frequency attached by ClinVar (database versions not stated): TOPMed 0.00040; ESP Exome Variant Server 0.00049.

Submissions (5):

PreventionGenetics, part of Exact Sciences
Classification: Uncertain significance for A2ML1-related condition. Last evaluated: 2026-09-10. Review status: criteria provided, single submitter. Criteria: ACMG Guidelines, 2015. Collection method: clinical testing. Allele origin: germline.
Comment: The A2ML1 c.1775G>T variant is predicted to result in the amino acid substitution p.Arg592Leu. This variant has been reported to segregate with a disorder resembling Noonan syndrome in a small family (Vissers et al. 2015. PubMed ID: 24939586), and is listed as a variant of uncertain significance in the ClinVar database (Variation ID: 203521). This variant is reported in 0.062% of alleles in individuals of European (Non-Finnish) descent in gnomAD, which may be too high for a causative variant. Although we suspect that this variant may be benign, at this time, the clinical significance of this variant is uncertain due to the absence of conclusive functional and genetic evidence.

Labcorp Genetics (formerly Invitae), Labcorp
Classification: Uncertain significance. Last evaluated: 2026-01-25. Review status: criteria provided, single submitter. Criteria: Invitae Variant Classification Sherloc (09022015). Collection method: clinical testing. Allele origin: germline.
Comment: This sequence change replaces arginine, which is basic and polar, with leucine, which is neutral and non-polar, at codon 592 of the A2ML1 protein (p.Arg592Leu). This variant is present in population databases (rs200673370, gnomAD 0.06%), and has an allele count higher than expected for a pathogenic variant. This missense change has been observed in individual(s) with clinical features of Noonan syndrome (PMID: 24939586, 33082526). It has also been observed to segregate with disease in related individuals. ClinVar contains an entry for this variant (Variation ID: 203521). An algorithm developed to predict the effect of missense changes on protein structure and function (PolyPhen-2) suggests that this variant is likely to be disruptive. Experimental studies have shown that this missense change affects A2ML1 function (PMID: 24939586). In summary, the available evidence is currently insufficient to determine the role of this variant in disease. Therefore, it has been classified as a Variant of Uncertain Significance.

Women's Health and Genetics/Laboratory Corporation of America, LabCorp
Classification: Uncertain significance. Last evaluated: 2020-06-01. Review status: criteria provided, single submitter. Criteria: LabCorp Variant Classification Summary - May 2015. Collection method: clinical testing. Allele origin: germline.
Comment: Variant summary: A2ML1 c.1775G>T (p.Arg592Leu) results in a non-conservative amino acid change in the encoded protein sequence. Three of five in-silico tools predict a damaging effect of the variant on protein function. The variant allele was found at a frequency of 0.00038 in 248816 control chromosomes. The observed variant frequency is approximately 95 fold of the estimated maximal expected allele frequency for a pathogenic variant in A2ML1 causing Noonan Syndrome And Related Conditions phenotype (4e-06), strongly suggesting that the variant is benign. However, c.1775G>T has been reported in the literature in one multi-generation family affected with Noonan Syndrome (Vissers_2015). Co-segregation was seen in all affected family members. This variant has also been reported in one patient with Kabuki syndrome who also carries a de novo pathogenic variant (KMT2D c.4148G>A/p.C1383Y, Long_2016). One functional study in Zebrafish showed that p.S600L (mimicing human p.R592L) caused developmental defects (Vissers_2015). Since the wild-type amino acid in Zebrafish is different to human A2ML1, this result does not allow convincing conclusions about the variant effect. Three clinical diagnostic laboratories have submitted clinical-significance assessments for this variant to ClinVar after 2014 without evidence for independent evaluation. All laboratories classified the variant as uncertain significance. Based on the evidence outlined above, the variant was classified as VUS.

GeneDx
Classification: Likely benign. Last evaluated: 2020-04-03. Review status: criteria provided, single submitter. Criteria: GeneDx Variant Classification Process June 2021. Collection method: clinical testing. Allele origin: germline. Affected: yes.
Comment: Expression in a zebrafish model led to developmental defects including broad forehead, blunted face, and cardiac malformations (Vissers et al., 2015); In silico analysis supports that this missense variant has a deleterious effect on protein structure/function; This variant is associated with the following publications: (PMID: 24939586, 27942422)

OMIM
Classification: Uncertain significance for VARIANT OF UNKNOWN SIGNIFICANCE. Last evaluated: 2015-03-01. Review status: no assertion criteria provided. Collection method: literature only. Allele origin: germline. Not counted in ClinVar's aggregate classification.

Literature cited by the submitters: PubMed 24939586 (cited by 3 submitters); PubMed 33082526 (cited by Labcorp Genetics (formerly Invitae), Labcorp); PubMed 27568880 (cited by Women's Health and Genetics/Laboratory Corporation of America, LabCorp).